The following is an entry in ClinVar:

NM_177438.3(DICER1):c.4649C>A (p.Thr1550Asn)

Gene: DICER1 (dicer 1, ribonuclease III; minus strand). Cytogenetic location: 14q32.13.
Variant type: single nucleotide variant.
Coding change: c.4649C>A on transcript NM_177438.3 (MANE Select); coding-DNA position 4649, C replaced by A.
Protein change: p.Thr1550Asn; replaces threonine 1550 with asparagine.
Molecular consequence: missense variant.
Genome position (GRCh38, 1-based): chr14:95,096,271, G>T on the plus strand (C>A on the coding strand, the complement: DICER1 is on the minus strand). VCF-style: chr14-95096271-G-T. GRCh37 (hg19) VCF-style: chr14-95562608-G-T.
Other names: c.4649C>A, p.Thr1550Asn (NM_001195573.1, NM_001271282.3, NM_001291628.2 and 1 more transcripts); short protein forms T1550N.
Identifiers: ClinVar variation 1491807 (VCV001491807.9), dbSNP rs1435663556, ClinGen allele CA390867611.

ClinVar aggregate classification (germline): Uncertain significance (1 of 4 stars; one submission).

Conditions:
DICER1-related tumor predisposition. Also called: DICER1-related pleuropulmonary blastoma cancer predisposition syndrome; DICER1 syndrome. Identifiers: Orphanet 284343, MedGen C3839822, MONDO:0100216.

Submission:

Labcorp Genetics (formerly Invitae), Labcorp
Classification: Uncertain significance for DICER1-related tumor predisposition. Last evaluated: 2024-05-20. Review status: criteria provided, single submitter. Criteria: Invitae Variant Classification Sherloc (09022015). Collection method: clinical testing. Allele origin: germline.
Comment: This sequence change replaces threonine, which is neutral and polar, with asparagine, which is neutral and polar, at codon 1550 of the DICER1 protein (p.Thr1550Asn). This variant is not present in population databases (gnomAD no frequency). This variant has not been reported in the literature in individuals affected with DICER1-related conditions. ClinVar contains an entry for this variant (Variation ID: 1491807). Advanced modeling of protein sequence and biophysical properties (such as structural, functional, and spatial information, amino acid conservation, physicochemical variation, residue mobility, and thermodynamic stability) performed at Invitae indicates that this missense variant is expected to disrupt DICER1 protein function with a positive predictive value of 80%. In summary, the available evidence is currently insufficient to determine the role of this variant in disease. Therefore, it has been classified as a Variant of Uncertain Significance.